The following is an entry in ClinVar:

ClinVar aggregate classification (germline): Conflicting classifications of pathogenicity. Review status: criteria provided, conflicting classifications (1 of 4 stars). 4 submissions from 4 submitters: Likely pathogenic (1); Uncertain significance (3). Last evaluated 2026-06-29.

Conditions:
Cardiovascular phenotype. Identifiers: MedGen CN230736.
Cardiomyopathy (CMYO). Also called: Cardiomyopathies. Identifiers: Orphanet 167848, MedGen C0878544, MONDO:0004994, HP:0001638. Inheritance: Various modes of inheritance.
Hypertrophic cardiomyopathy. Also called: HYPERTROPHIC MYOCARDIOPATHY. Identifiers: Orphanet 217569, MedGen C0007194, MeSH D002312, MONDO:0005045, HP:0001639.

Submissions (4):

GeneDx
Classification: Likely pathogenic. Last evaluated: 2026-06-29. Review status: criteria provided, single submitter. Criteria: GeneDx Variant Classification Process June 2021. Collection method: clinical testing. Allele origin: germline.
Comment: Identified in patients with HCM in published literature (PMID: 30297972, 37652022, 33190526); Not observed at significant frequency in large population cohorts (gnomAD); In silico analysis supports a deleterious effect on protein structure/function; In-frame deletion of 1 amino acid(s) in a non-repeat region; This variant is associated with the following publications: (PMID: 30297972, 37652022, 33190526)

Labcorp Genetics (formerly Invitae), Labcorp
Classification: Uncertain significance for Hypertrophic cardiomyopathy. Last evaluated: 2025-08-18. Review status: criteria provided, single submitter. Criteria: Invitae Variant Classification Sherloc (09022015). Collection method: clinical testing. Allele origin: germline.
Comment: This variant, c.3340_3342del, results in the deletion of 1 amino acid(s) of the MYBPC3 protein (p.Thr1114del), but otherwise preserves the integrity of the reading frame. This variant is present in population databases (rs763160213, gnomAD 0.0009%). This variant has been observed in individual(s) with hypertrophic cardiomyopathy (PMID: 30297972, 32841044, 33190526, 37652022). ClinVar contains an entry for this variant (Variation ID: 407335). Experimental studies and prediction algorithms are not available or were not evaluated, and the functional significance of this variant is currently unknown. In summary, the available evidence is currently insufficient to determine the role of this variant in disease. Therefore, it has been classified as a Variant of Uncertain Significance.

Color Diagnostics, LLC DBA Color Health
Classification: Uncertain significance for Cardiomyopathy. Last evaluated: 2024-06-13. Review status: criteria provided, single submitter. Criteria: ACMG Guidelines, 2015. Collection method: clinical testing. Allele origin: germline.
Comment: This variant causes a deletion of one amino acid at exon 31 of the MYBPC3 protein. To our knowledge, functional studies have not been reported for this variant. This variant has been reported in individuals affected with hypertrophic cardiomyopathy (PMID: 30297972, 32841044, 33190526). This variant has been identified in 2/240324 chromosomes in the general population by the Genome Aggregation Database (gnomAD). The available evidence is insufficient to determine the role of this variant in disease conclusively. Therefore, this variant is classified as a Variant of Uncertain Significance.

Ambry Genetics
Classification: Uncertain significance for Cardiovascular phenotype. Last evaluated: 2024-04-26. Review status: criteria provided, single submitter. Criteria: Ambry Variant Classification Scheme 2023. Collection method: clinical testing. Allele origin: germline.
Comment: The c.3340_3342delACC variant (also known as p.T1114del) is located in coding exon 31 of the MYBPC3 gene. This variant results from an in-frame ACC deletion at nucleotide positions 3340 to 3342. This results in the in-frame deletion of a threonine at codon 1114. This alteration has been reported in hypertrophic cardiomyopathy cohorts (Ho CY et al. Circulation, 2018 Oct;138:1387-1398; O'Hare BJ et al. Circ Genom Precis Med, 2020 Dec;13:e003013). This amino acid position is highly conserved in available vertebrate species. In addition, this alteration is predicted to be deleterious by in silico analysis (Choi Y et al. PLoS ONE. 2012; 7(10):e46688). Based on the available evidence, the clinical significance of this variant remains unclear.

Literature cited by the submitters: PubMed 30297972 (cited by 3 submitters); PubMed 32841044 (cited by Labcorp Genetics (formerly Invitae), Labcorp and Color Diagnostics, LLC DBA Color Health); PubMed 33190526 (cited by 3 submitters); PubMed 37652022 (cited by Labcorp Genetics (formerly Invitae), Labcorp).

NM_000256.3(MYBPC3):c.3340_3342del (p.Thr1114del)

Gene: MYBPC3 (myosin binding protein C3; minus strand). Cytogenetic location: 11p11.2.
Variant type: Deletion.
Coding change: c.3340_3342del on transcript NM_000256.3 (MANE Select); coding-DNA positions 3340 to 3342, 3 bases deleted (ACC; older notation c.3340_3342delACC).
Protein change: p.Thr1114del; deletes threonine 1114.
Molecular consequence: inframe deletion.
Genome position (GRCh38, 1-based): chr11:47,332,962-47,332,964, GGT deleted on the plus strand (ACC on the coding strand, the reverse complement: MYBPC3 is on the minus strand); deleting any 3 consecutive bases within chr11:47,332,962-47,332,965 gives the same sequence; the c. name uses the placement nearest the transcript's 3' end. VCF-style (leftmost placement, unchanged base first): chr11-47332961-CGGT-C. GRCh37 (hg19) VCF-style: chr11-47354512-CGGT-C.
Other names: c.3340_3342delACC (NM_000256.3); c.3340_3342del, p.Thr1114del (LRG_386t1); short protein forms T1114del.
Identifiers: ClinVar variation 407335 (VCV000407335.14), dbSNP rs763160213, ClinGen allele CA5975359.